The following is an entry in ClinVar:

ClinVar aggregate classification (germline): Uncertain significance (1 of 4 stars; one submission).

Submission:

Labcorp Genetics (formerly Invitae), Labcorp
Classification: Uncertain significance. Last evaluated: 2024-03-12. Review status: criteria provided, single submitter. Criteria: Invitae Variant Classification Sherloc (09022015). Collection method: clinical testing. Allele origin: germline.
Comment: This sequence change replaces proline, which is neutral and non-polar, with threonine, which is neutral and polar, at codon 354 of the TGFB1 protein (p.Pro354Thr). This variant is not present in population databases (gnomAD no frequency). This variant has not been reported in the literature in individuals affected with TGFB1-related conditions. Advanced modeling of protein sequence and biophysical properties (such as structural, functional, and spatial information, amino acid conservation, physicochemical variation, residue mobility, and thermodynamic stability) has been performed at Invitae for this missense variant, however the output from this modeling did not meet the statistical confidence thresholds required to predict the impact of this variant on TGFB1 protein function. In summary, the available evidence is currently insufficient to determine the role of this variant in disease. Therefore, it has been classified as a Variant of Uncertain Significance.

NM_000660.7(TGFB1):c.1060C>A (p.Pro354Thr)

Gene: TGFB1 (transforming growth factor beta 1; minus strand). Cytogenetic location: 19q13.2.
Variant type: single nucleotide variant.
Coding change: c.1060C>A on transcript NM_000660.7 (MANE Select); coding-DNA position 1060, C replaced by A.
Protein change: p.Pro354Thr; replaces proline 354 with threonine.
Molecular consequence: missense variant.
Genome position (GRCh38, 1-based): chr19:41,331,165, G>T on the plus strand (C>A on the coding strand, the complement: TGFB1 is on the minus strand). VCF-style: chr19-41331165-G-T. GRCh37 (hg19) VCF-style: chr19-41837070-G-T.
Other names: short protein forms P354T.
Identifiers: ClinVar variation 3698024 (VCV003698024.2).